The following is an entry in ClinVar:

NM_198253.3(TERT):c.2110C>T (p.Pro704Ser)

Gene: TERT (telomerase reverse transcriptase; minus strand). Cytogenetic location: 5p15.33.
Variant type: single nucleotide variant.
Coding change: c.2110C>T on transcript NM_198253.3 (MANE Select); coding-DNA position 2110, C replaced by T.
Protein change: p.Pro704Ser; replaces proline 704 with serine.
Molecular consequence: missense variant. On other transcripts: non-coding transcript variant (2).
Genome position (GRCh38, 1-based): chr5:1,279,311, G>A on the plus strand (C>T on the coding strand, the complement: TERT is on the minus strand). VCF-style: chr5-1279311-G-A. GRCh37 (hg19) VCF-style: chr5-1279426-G-A.
Other names: c.2110C>T, p.Pro704Ser (NM_001193376.3); short protein forms P704S.
Identifiers: ClinVar variation 39108 (VCV000039108.83), dbSNP rs199422297, ClinGen allele CA128731.

ClinVar aggregate classification (germline): Pathogenic/Likely pathogenic. Review status: criteria provided, multiple submitters, no conflicts (2 of 4 stars). 12 submissions from 12 submitters: Pathogenic (5); Likely pathogenic (3). 4 of the submissions do not count toward it. Last evaluated 2025-11-17.

Conditions:
Idiopathic Pulmonary Fibrosis. Also called: Idiopathic fibrosing alveolitis, chronic form; idiopathic fibrosing alveolitis. Identifiers: Orphanet 2032, MedGen C1800706, MeSH D054990, MONDO:0800504.
Dyskeratosis congenita, autosomal dominant 2. Identifiers: MedGen C3151443, MONDO:0013521, OMIM 613989.
TERT-related disorder. Also called: TERT-related condition; TERT-related disorders.
Pulmonary fibrosis. Identifiers: MedGen C0034069, MONDO:0002771, HP:0002206.
Pulmonary fibrosis and/or bone marrow failure, Telomere-related, 1. Also called: PULMONARY FIBROSIS AND/OR BONE MARROW FAILURE SYNDROME, TELOMERE-RELATED, 1. Identifiers: Orphanet 88, MedGen C3553617, MONDO:0013878, OMIM 614742.
Autosomal recessive dyskeratosis congenita 4. Identifiers: MedGen C3151444, MONDO:0027353.
Dyskeratosis congenita. Identifiers: Orphanet 1775, MedGen C0265965, MONDO:0015780.
Dyskeratosis congenita, autosomal dominant 1 (DKCA1). Also called: Dyskeratosis congenita Scoggins type. Identifiers: Orphanet 1775, MedGen C4551974, MONDO:0007485, OMIM 127550. Inheritance: Variable.

Allele frequency attached by ClinVar (database versions not stated): gnomAD exomes 0.00001; gnomAD 0.00004 and 0.00005; TOPMed 0.00005.
gnomAD v4.1: 14 of 1,584,006 alleles (0.00088%); highest among the groups gnomAD compares: African/African-American, 0.0013%; no homozygotes.

Submissions (12):

Labcorp Genetics (formerly Invitae), Labcorp
Classification: Likely pathogenic for Dyskeratosis congenita, autosomal dominant 2; Idiopathic Pulmonary Fibrosis. Last evaluated: 2025-11-17. Review status: criteria provided, single submitter. Criteria: Invitae Variant Classification Sherloc (09022015). Collection method: clinical testing. Allele origin: germline.
Comment: This sequence change replaces proline, which is neutral and non-polar, with serine, which is neutral and polar, at codon 704 of the TERT protein (p.Pro704Ser). The frequency data for this variant in the population databases is considered unreliable, as metrics indicate poor data quality at this position in the gnomAD database. This missense change has been observed in individuals with clinical features of TERT-related conditions (PMID: 18042801, 18635888, 18931339, 21602826, 27418648, 30523342; internal data). ClinVar contains an entry for this variant (Variation ID: 39108). Invitae Evidence Modeling of protein sequence and biophysical properties (such as structural, functional, and spatial information, amino acid conservation, physicochemical variation, residue mobility, and thermodynamic stability) indicates that this missense variant is not expected to disrupt TERT protein function with a negative predictive value of 95%. Experimental studies have shown that this missense change affects TERT function (PMID: 18042801, 21602826, 23901009, 25365545). In summary, the currently available evidence indicates that the variant is pathogenic, but additional data are needed to prove that conclusively. Therefore, this variant has been classified as Likely Pathogenic.

Variantyx, Inc.
Classification: Likely pathogenic for Pulmonary fibrosis and/or bone marrow failure, Telomere-related, 1. Last evaluated: 2025-10-15. Review status: criteria provided, single submitter. Criteria: Variantyx Assertion Criteria 2022. Collection method: clinical testing. Allele origin: germline. Inheritance: Semidominant inheritance. Affected: yes.
Comment: This is a nonsynonymous variant in the TERT gene (OMIM: 187270). Pathogenic variants in this gene have been associated with autosomal semidominant TERT related disorders. This variant has been reported in at least 3 unrelated affected individuals (PMID: 18635888, 21602826, 30523342) (PS4_Moderate). Computational algorithms produce conflicting evidence regarding the predicted functional impact of this variant (REVEL score: 0.619), but functional studies have shown that this variant alters TERT protein function (PMID: 18635888, 21602826) (PS3).. This variant has a 0.0032% maximum allele frequency in non-founder control populations (PM2). Based on the current evidence, this variant is classified as likely pathogenic for autosomal semidominant TERT related disorders.

Mayo Clinic Laboratories, Mayo Clinic
Classification: Pathogenic. Last evaluated: 2025-01-28. Review status: criteria provided, single submitter. Criteria: ACMG Guidelines, 2015. Collection method: clinical testing. Allele origin: germline. Observed: 1 variant allele.
Comment: PP1_moderate, PM2_supporting, PM3_supporting, PS3, PS4

Women's Health and Genetics/Laboratory Corporation of America, LabCorp
Classification: Pathogenic for TERT-Related Disorders. Last evaluated: 2024-10-08. Review status: criteria provided, single submitter. Criteria: LabCorp Variant Classification Summary - May 2015. Collection method: clinical testing. Allele origin: germline.
Comment: Variant summary: TERT c.2110C>T (p.Pro704Ser) results in a non-conservative amino acid change located in the Reverse transcriptase domain (IPR000477) of the encoded protein sequence. Four of five in-silico tools predict a damaging effect of the variant on protein function. The variant allele was found at a frequency of 5.1e-06 in 197100 control chromosomes (gnomAD). The variant, c.2110C>T, has been reported in the literature in a homozygous individual affected with Dyskeratosis Congenita (Du_2008), and in multiple heterozygous individuals affected with TERT-Related Disorders, including (familial) pulmonary fibrosis and osteoporosis (Du_2008, Cronkhite_2008, Newton_2016, Gutierrez-Rodrigues_2019), but was also found in heterozygous unaffected family members (Du_2008), indicating variable penetrance. These data indicate that the variant is very likely to be associated with disease; of note, decreased telomere length was found in several affected individuals. Multiple publications reported experimental evidence evaluating an impact on protein function, and all demonstrated severely reduced activity (e.g. Du_2008, Batista_2011, Zaug_2013); the most pronounced variant effect results in 1-13% of normal activity. ClinVar contains an entry for this variant (Variation ID: 39108). Based on the evidence outlined above, the variant was classified as pathogenic.

Baylor Genetics
Classification: Pathogenic for Dyskeratosis congenita, autosomal dominant 2. Last evaluated: 2024-03-09. Review status: criteria provided, single submitter. Criteria: ACMG Guidelines, 2015. Collection method: clinical testing. Allele origin: unknown.

GeneDx
Classification: Pathogenic. Last evaluated: 2022-02-22. Review status: criteria provided, single submitter. Criteria: GeneDx Variant Classification Process June 2021. Collection method: clinical testing. Allele origin: germline. Affected: yes.
Comment: Observed in individuals with TERT-related disorders in published literature (Du 2009, Batista 2011); In silico analysis supports that this missense variant has a deleterious effect on protein structure/function; Not observed at significant frequency in large population cohorts (gnomAD); This variant is associated with the following publications: (PMID: 30523342, 23901009, 18042801, 18635888, 23538340, 18931339, 27418648, 21602826, 28099038)

Ambry Genetics
Classification: Pathogenic for Dyskeratosis congenita. Last evaluated: 2021-09-16. Review status: criteria provided, single submitter. Criteria: Ambry Variant Classification Scheme 2023. Collection method: clinical testing. Allele origin: germline.
Comment: The p.P704S pathogenic mutation (also known as c.2110C>T), located in coding exon 5 of the TERT gene, results from a C to T substitution at nucleotide position 2110. The proline at codon 704 is replaced by serine, an amino acid with similar properties. This mutation has demonstrated both an autosomal recessive inheritance presenting with a more severe phenotype as well as autosomal dominant inheritance with variable presentation, age of onset, and reduced penetrance. This alteration was first reported in homozygous state in a proband diagnosed with dyskeratosis congenita and additional abnormalities; Functional analysis in this study demonstrated that this mutation severely reduced telomerase activity to 13% of wild type (Du HY et al. Blood, 2008 Feb;111:1128-30). This mutation was also identified in the heterozygous state in three siblings with pulmonary fibrosis, and other unrelated individuals with myelodysplastic syndrome and/or pulmonary fibrosis (Cronkhite JT et al. Am. J. Respir. Crit. Care Med., 2008 Oct;178:729-37; Keel SB et al. Haematologica, 2016 11;101:1343-1350; Gutierrez-Rodrigues F et al. Genet Med, 2019 07;21:1594-1602). Additional in vitro functional studies demonstrated that this mutation significantly reduces activity and processivity of telomerase (Batista LF et al. Nature, 2011 Jun;474:399-402; Zaug AJ et al. Nucleic Acids Res., 2013 Oct;41:8969-78). Based on the supporting evidence, this alteration is interpreted as a disease-causing mutation.

Blueprint Genetics
Classification: Likely pathogenic for TERT-related disorders. Last evaluated: 2020-12-10. Review status: criteria provided, single submitter. Criteria: ACMG Guidelines, 2015. Collection method: clinical testing. Allele origin: germline. Affected: yes. Observed: 1 variant allele.

Genetic Services Laboratory, University of Chicago
Classification: Likely pathogenic. Last evaluated: 2022-10-14. Review status: no assertion criteria provided. Collection method: clinical testing. Allele origin: germline. Affected: yes. Not counted in ClinVar's aggregate classification.
Comment: The c.2110C>T sequence change in exon 5 results in an amino acid change, p.Pro704Ser. The p.Pro704Ser change affects a poorly conserved amino acid residue located in a domain of the TERT protein that is known to be functional. In-silico pathogenicity prediction tools (SIFT, PolyPhen2, Align GVGD, REVEL) provide contradictory results for the p.Pro704Ser substitution. This sequence change has been reported in the homozygous state in two individuals with dyskeratosis congenital (PMID: 18042801, 18931339). It has also been described in the heterozygous state in three individuals from one family with pulmonary fibrosis and one individual with aplastic anemia (PMID: 1863588, 18931339). Multiple studies have found that the p.Pro704Ser change results in reduced telomerase activity (PMID: 18042801, 23901009. 18931339). This sequence change has been described in the gnomAD database in 2 individuals which corresponds to a population frequency of 0.0009% (dbSNP rs199422297). Based on these evidences this sequence change is classified as likely pathogenic.

Garcia Pulmonary Genetics Research Laboratory, Columbia University Irving Medical Center
Classification: Likely risk allele for Pulmonary fibrosis. Last evaluated: 2022-06-09. Review status: no assertion criteria provided. Collection method: research. Allele origin: germline. Affected: yes. Not counted in ClinVar's aggregate classification.
Comment: Leukocyte telomere length (by qPCR) less than 10th percentile age-adjusted

OMIM
Classification: Pathogenic for DYSKERATOSIS CONGENITA, AUTOSOMAL RECESSIVE 4. Last evaluated: 2008-02-01. Review status: no assertion criteria provided. Collection method: literature only. Allele origin: germline. Not counted in ClinVar's aggregate classification.

GeneReviews
No classification provided. Condition: Dyskeratosis congenita, autosomal dominant 1. Review status: no classification provided. Collection method: literature only. Allele origin: unknown. Not counted in ClinVar's aggregate classification.

Literature cited by the submitters: PubMed 18042801 (cited by 4 submitters); PubMed 18635888 (cited by 4 submitters); PubMed 18931339 (cited by Labcorp Genetics (formerly Invitae), Labcorp and Mayo Clinic Laboratories, Mayo Clinic); PubMed 21602826 (cited by 4 submitters); PubMed 27418648 (cited by Labcorp Genetics (formerly Invitae), Labcorp and Mayo Clinic Laboratories, Mayo Clinic); PubMed 30523342 (cited by 4 submitters); PubMed 23901009 (cited by 3 submitters); PubMed 25365545 (cited by Labcorp Genetics (formerly Invitae), Labcorp); PubMed 36028256 (cited by Mayo Clinic Laboratories, Mayo Clinic); PubMed 27540018 (cited by Women's Health and Genetics/Laboratory Corporation of America, LabCorp); PubMed 20301779 (cited by GeneReviews); NCBI Bookshelf NBK22301 (cited by GeneReviews).